The following is an entry in ClinVar:

ClinVar aggregate classification (germline): Conflicting classifications of pathogenicity. Review status: criteria provided, conflicting classifications (1 of 4 stars). 5 submissions from 5 submitters: Uncertain significance (4); Benign (1). Last evaluated 2026-01-13.

Conditions:
Isolated focal cortical dysplasia type II (FCORD2). Also called: Focal cortical dysplasia type II; CORTICAL DYSPLASIA OF TAYLOR. Identifiers: Orphanet 268994, MedGen C1846385, MONDO:0011818, OMIM 607341, HP:0032051.
Lymphangiomyomatosis (LAM). Also called: Lymphangioleiomyomatosis; Lymphangioleiomyomatosis, somatic. Identifiers: Orphanet 538, MedGen C0751674, MONDO:0011705, OMIM 606690.
Tuberous sclerosis 2 (TSC2). Identifiers: Orphanet 805, MedGen C1860707, MONDO:0013199, OMIM 613254.
Tuberous sclerosis syndrome (TSC). Also called: Tuberous sclerosis; Tuberous Sclerosis Complex. Identifiers: Orphanet 805, MedGen C0041341, MONDO:0001734.
Hereditary cancer-predisposing syndrome. Also called: Hereditary neoplastic syndrome; Neoplastic Syndromes, Hereditary; Hereditary Cancer Syndrome; Tumor predisposition. Identifiers: Orphanet 140162, MedGen C0027672, MeSH D009386, MONDO:0015356.

Allele frequency attached by ClinVar (database versions not stated): gnomAD 0.00001; TOPMed 0.00002; ESP Exome Variant Server 0.00008.
gnomAD v4.1: 2 of 1,612,942 alleles (0.00012%); highest among the groups gnomAD compares: African/African-American, 0.0027%; no homozygotes.

Submissions (5):

Labcorp Genetics (formerly Invitae), Labcorp
Classification: Benign for Tuberous sclerosis 2. Last evaluated: 2026-01-13. Review status: criteria provided, single submitter. Criteria: Invitae Variant Classification Sherloc (09022015). Collection method: clinical testing. Allele origin: germline.

GeneDx
Classification: Uncertain significance. Last evaluated: 2024-11-08. Review status: criteria provided, single submitter. Criteria: GeneDx Variant Classification Process June 2021. Collection method: clinical testing. Allele origin: germline. Affected: yes.
Comment: In silico analysis indicates that this missense variant does not alter protein structure/function; Has not been previously published as pathogenic or benign to our knowledge

All of Us Research Program, National Institutes of Health
Classification: Uncertain significance for Tuberous sclerosis syndrome. Last evaluated: 2024-08-06. Review status: criteria provided, single submitter. Criteria: ACMG Guidelines, 2015. Collection method: clinical testing. Allele origin: germline. Inheritance: Autosomal dominant inheritance. Observed: 3 variant alleles, 3 heterozygotes.
Comment: This study involves interpretation of variants in research participants for the purpose of population health screening. Participant phenotype was not available at the time of variant classification. Additional details can be found in publication PMID: 35346344, PMCID: PMC8962531

Fulgent Genetics
Classification: Uncertain significance for Lymphangiomyomatosis; Isolated focal cortical dysplasia type II; Tuberous sclerosis 2. Last evaluated: 2024-05-13. Review status: criteria provided, single submitter. Criteria: ACMG Guidelines, 2015. Collection method: clinical testing. Allele origin: germline.

Ambry Genetics
Classification: Uncertain significance for Hereditary cancer-predisposing syndrome. Last evaluated: 2023-11-17. Review status: criteria provided, single submitter. Criteria: Ambry Variant Classification Scheme 2023. Collection method: clinical testing. Allele origin: germline.
Comment: The p.V825I variant (also known as c.2473G>A), located in coding exon 21 of the TSC2 gene, results from a G to A substitution at nucleotide position 2473. The valine at codon 825 is replaced by isoleucine, an amino acid with highly similar properties. This amino acid position is not well conserved in available vertebrate species. In addition, the in silico prediction for this alteration is inconclusive. Since supporting evidence is limited at this time, the clinical significance of this alteration remains unclear.

NM_000548.5(TSC2):c.2473G>A (p.Val825Ile)

Gene: TSC2 (TSC complex subunit 2; plus strand). Cytogenetic location: 16p13.3.
Variant type: single nucleotide variant.
Coding change: c.2473G>A on transcript NM_000548.5 (MANE Select); coding-DNA position 2473, G replaced by A.
Protein change: p.Val825Ile; replaces valine 825 with isoleucine.
Molecular consequence: missense variant.
Genome position (GRCh38, 1-based): chr16:2,074,317, G>A. VCF-style: chr16-2074317-G-A. GRCh37 (hg19) VCF-style: chr16-2124318-G-A.
Other names: c.2473G>A, p.Val825Ile (NM_001077183.3, NM_001114382.3, NM_001363528.2 and 3 more transcripts); c.2362G>A, p.Val788Ile (NM_001318827.2); c.2326G>A, p.Val776Ile (NM_001318829.2); c.1873G>A, p.Val625Ile (NM_001318831.2); c.2506G>A, p.Val836Ile (NM_001318832.2); short protein forms V825I, V776I, V836I, V788I, V625I.
Identifiers: ClinVar variation 572501 (VCV000572501.16), dbSNP rs149860212, ClinGen allele CA039138.